The following is an entry in ClinVar:

NM_000094.4(COL7A1):c.5465C>T (p.Pro1822Leu)

Gene: COL7A1 (collagen type VII alpha 1 chain; minus strand). Cytogenetic location: 3p21.31.
Variant type: single nucleotide variant.
Coding change: c.5465C>T on transcript NM_000094.4 (MANE Select); coding-DNA position 5465, C replaced by T.
Protein change: p.Pro1822Leu; replaces proline 1822 with leucine.
Molecular consequence: missense variant.
Genome position (GRCh38, 1-based): chr3:48,578,475, G>A on the plus strand (C>T on the coding strand, the complement: COL7A1 is on the minus strand). VCF-style: chr3-48578475-G-A. GRCh37 (hg19) VCF-style: chr3-48615908-G-A.
Other names: c.5465C>T (NM_000094.3); short protein forms P1822L.
Identifiers: ClinVar variation 991502 (VCV000991502.5), dbSNP rs781197075, ClinGen allele CA2379491.

ClinVar aggregate classification (germline): Uncertain significance. Review status: criteria provided, multiple submitters, no conflicts (2 of 4 stars). 3 submissions from 3 submitters: Uncertain significance (2). 1 of the submissions does not count toward it. Last evaluated 2025-03-10.

Conditions:
Epidermolysis bullosa dystrophica inversa, autosomal recessive. Identifiers: MedGen C2673612.
Inborn genetic diseases. Identifiers: MedGen C0950123, MeSH D030342.

Allele frequency attached by ClinVar (database versions not stated): gnomAD exomes below 0.00001 and 0.00006; ExAC 0.00001; TOPMed 0.00004; gnomAD 0.00005.
gnomAD v4.1: 99 of 1,612,738 alleles (0.0061%); highest among the groups gnomAD compares: Non-Finnish European, 0.0081%; no homozygotes.

Submissions (3):

Labcorp Genetics (formerly Invitae), Labcorp
Classification: Uncertain significance. Last evaluated: 2025-03-10. Review status: criteria provided, single submitter. Criteria: Invitae Variant Classification Sherloc (09022015). Collection method: clinical testing. Allele origin: germline.
Comment: This sequence change replaces proline, which is neutral and non-polar, with leucine, which is neutral and non-polar, at codon 1822 of the COL7A1 protein (p.Pro1822Leu). This variant is present in population databases (rs781197075, gnomAD 0.01%). This variant has not been reported in the literature in individuals affected with COL7A1-related conditions. ClinVar contains an entry for this variant (Variation ID: 991502). Invitae Evidence Modeling of protein sequence and biophysical properties (such as structural, functional, and spatial information, amino acid conservation, physicochemical variation, residue mobility, and thermodynamic stability) indicates that this missense variant is not expected to disrupt COL7A1 protein function with a negative predictive value of 95%. In summary, the available evidence is currently insufficient to determine the role of this variant in disease. Therefore, it has been classified as a Variant of Uncertain Significance.

Ambry Genetics
Classification: Uncertain significance for Inborn genetic diseases. Last evaluated: 2022-07-14. Review status: criteria provided, single submitter. Criteria: Ambry Variant Classification Scheme 2023. Collection method: clinical testing. Allele origin: germline.

Natera, Inc.
Classification: Uncertain significance for Autosomal recessive epidermolysis bullosa dystrophica inversa. Last evaluated: 2020-08-03. Review status: no assertion criteria provided. Collection method: clinical testing. Allele origin: germline. Not counted in ClinVar's aggregate classification.